The following is an entry in ClinVar:

ClinVar aggregate classification (germline): Uncertain significance (1 of 4 stars; one submission).

Submission:

Greenwood Genetic Center Diagnostic Laboratories, Greenwood Genetic Center
Classification: Uncertain significance. Last evaluated: 2024-01-31. Review status: criteria provided, single submitter. Criteria: ACMG Guidelines, 2015. Collection method: clinical testing. Allele origin: germline. Affected: yes.
Comment: Gene of Uncertain Significance

NM_004371.4(COPA):c.2072A>C (p.Glu691Ala)

Gene: COPA (COPI coat complex subunit alpha; minus strand). Cytogenetic location: 1q23.2.
Variant type: single nucleotide variant.
Coding change: c.2072A>C on transcript NM_004371.4 (MANE Select); coding-DNA position 2072, A replaced by C.
Protein change: p.Glu691Ala; replaces glutamic acid 691 with alanine.
Molecular consequence: missense variant.
Genome position (GRCh38, 1-based): chr1:160,297,651, T>G on the plus strand (A>C on the coding strand, the complement: COPA is on the minus strand). VCF-style: chr1-160297651-T-G. GRCh37 (hg19) VCF-style: chr1-160267441-T-G.
Other names: c.2099A>C, p.Glu700Ala (NM_001098398.2); short protein forms E691A, E700A.
Identifiers: ClinVar variation 3235871 (VCV003235871.1), dbSNP rs2525364262, ClinGen allele CA343279339.